The following is an entry in ClinVar:

NM_007294.4(BRCA1):c.343C>T (p.Pro115Ser)

Gene: BRCA1 (BRCA1 DNA repair associated; minus strand). Cytogenetic location: 17q21.31.
Variant type: single nucleotide variant.
Coding change: c.343C>T on transcript NM_007294.4 (MANE Select); coding-DNA position 343, C replaced by T.
Protein change: p.Pro115Ser; replaces proline 115 with serine.
Molecular consequence: missense variant. On other transcripts: non-coding transcript variant (1).
Genome position (GRCh38, 1-based): chr17:43,104,220, G>A on the plus strand (C>T on the coding strand, the complement: BRCA1 is on the minus strand). VCF-style: chr17-43104220-G-A. GRCh37 (hg19) VCF-style: chr17-41256237-G-A.
Other names: c.133C>T, p.Pro45Ser (NM_001407571.1, NM_001407853.1, NM_001407879.1 and 58 more transcripts); c.343C>T, p.Pro115Ser (NM_001407581.1, NM_001407582.1, NM_001407583.1 and 165 more transcripts); c.334C>T, p.Pro112Ser (NM_001407646.1, NM_001407647.1, NM_001408408.1); c.265C>T, p.Pro89Ser (NM_001407653.1, NM_001407654.1, NM_001407655.1 and 21 more transcripts); c.202C>T, p.Pro68Ser (NM_001408410.1, NM_001407692.1, NM_001407694.1 and 99 more transcripts); c.211C>T, p.Pro71Ser (NM_001408451.1); c.-39C>T (NM_001408510.1, NM_001408512.1, NM_001407959.1 and 4 more transcripts); short protein forms P115S, P68S, P71S, P89S, P45S, P112S.
Identifiers: ClinVar variation 482958 (VCV000482958.16), dbSNP rs1468589409, ClinGen allele CA10601459.

ClinVar aggregate classification (germline): Uncertain significance. Review status: criteria provided, multiple submitters, no conflicts (2 of 4 stars). 4 submissions from 4 submitters: Uncertain significance (4). Last evaluated 2025-03-28.

Conditions:
Hereditary breast ovarian cancer syndrome. Also called: Hereditary breast and ovarian cancer syndrome; Hereditary breast and ovarian cancer; Hereditary breast and ovarian cancer syndrome (HBOC); Breast and ovarian cancer; Hereditary breast and/or ovarian cancer syndrome; BRCA1- and BRCA2-Associated Hereditary Breast and Ovarian Cancer. Identifiers: Orphanet 145, MedGen C0677776, MeSH D061325, MONDO:0003582. Disease mechanism: loss of function.
Hereditary cancer-predisposing syndrome. Also called: Neoplastic Syndromes, Hereditary; Tumor predisposition; Hereditary Cancer Syndrome; Hereditary neoplastic syndrome. Identifiers: Orphanet 140162, MedGen C0027672, MeSH D009386, MONDO:0015356.

Submissions (4):

Ambry Genetics
Classification: Uncertain significance for Hereditary cancer-predisposing syndrome. Last evaluated: 2025-03-28. Review status: criteria provided, single submitter. Criteria: Ambry Variant Classification Scheme 2023. Collection method: clinical testing. Allele origin: germline.
Comment: The p.P115S variant (also known as c.343C>T), located in coding exon 5 of the BRCA1 gene, results from a C to T substitution at nucleotide position 343. The proline at codon 115 is replaced by serine, an amino acid with similar properties. This amino acid position is not well conserved in available vertebrate species. In addition, the in silico prediction for this alteration is inconclusive. A similar alteraion, c.343C>A, leading to the same effect on the BRCA1 protein, p.P115S, was detected in 1/208 Slovenian breast and/or ovarian cancer probands and 0/80 healthy controls (Stegel V et al. BMC Med. Genet., 2011 Jan;12:9). Since supporting evidence is limited at this time, the clinical significance of this alteration remains unclear.

Labcorp Genetics (formerly Invitae), Labcorp
Classification: Uncertain significance for Hereditary breast ovarian cancer syndrome. Last evaluated: 2024-01-02. Review status: criteria provided, single submitter. Criteria: Invitae Variant Classification Sherloc (09022015). Collection method: clinical testing. Allele origin: germline.
Comment: This sequence change replaces proline, which is neutral and non-polar, with serine, which is neutral and polar, at codon 115 of the BRCA1 protein (p.Pro115Ser). This variant is not present in population databases (gnomAD no frequency). This variant has not been reported in the literature in individuals affected with BRCA1-related conditions. ClinVar contains an entry for this variant (Variation ID: 482958). Advanced modeling of protein sequence and biophysical properties (such as structural, functional, and spatial information, amino acid conservation, physicochemical variation, residue mobility, and thermodynamic stability) performed at Invitae indicates that this missense variant is not expected to disrupt BRCA1 protein function with a negative predictive value of 95%. In summary, the available evidence is currently insufficient to determine the role of this variant in disease. Therefore, it has been classified as a Variant of Uncertain Significance.

Women's Health and Genetics/Laboratory Corporation of America, LabCorp
Classification: Uncertain significance. Last evaluated: 2021-08-30. Review status: criteria provided, single submitter. Criteria: LabCorp Variant Classification Summary - May 2015. Collection method: clinical testing. Allele origin: germline.
Comment: Variant summary: BRCA1 c.343C>T (p.Pro115Ser) results in a non-conservative amino acid change in the encoded protein sequence. Three of five in-silico tools predict a benign effect of the variant on protein function. The variant was absent in 251352 control chromosomes. The available data on variant occurrences in the general population are insufficient to allow any conclusion about variant significance. c.343C>A (a different variant resulting in same protein change) has been reported in the literature in individuals affected with Hereditary Breast And Ovarian Cancer Syndrome. This report does not provide unequivocal conclusions about association of the variant with Hereditary Breast And Ovarian Cancer Syndrome. To our knowledge, no experimental evidence demonstrating an impact on protein function has been reported. One clinical diagnostic laboratory has submitted clinical-significance assessments for this variant to ClinVar after 2014 without evidence for independent evaluation and classified the variant as uncertain significance. Based on the evidence outlined above, the variant was classified as uncertain significance.

Sema4
Classification: Uncertain significance for Hereditary cancer-predisposing syndrome. Last evaluated: 2021-07-23. Review status: criteria provided, single submitter. Criteria: Sema4 Curation Guidelines. Collection method: curation. Allele origin: germline.
Comment: The BRCA1 c.343C>T (p.P115S) variant was not observed in the large and broad cohorts of the Genome Aggregation Database (PMID: 32461654). A BRCA1 p.P115S variant has been reported in heterozygosity in one individual with breast cancer (PMID: 21232165). The variant has been reported in ClinVar (Variation ID: 482958). In silico tools suggest the impact of the variant on protein function is deleterious, though these predictions have not been confirmed by functional studies. The evidence is insufficient to meet ACMG/AMP criteria for classifying the variant as benign or pathogenic. Thus, the clinical significance of this variant is currently uncertain.

Literature cited by the submitters: PubMed 21232165 (cited by 3 submitters).